The following is an entry in ClinVar:

NM_000748.3(CHRNB2):c.1226C>T (p.Pro409Leu)

Gene: CHRNB2 (cholinergic receptor nicotinic beta 2 subunit; plus strand). Cytogenetic location: 1q21.3.
Variant type: single nucleotide variant.
Coding change: c.1226C>T on transcript NM_000748.3 (MANE Select); coding-DNA position 1226, C replaced by T.
Protein change: p.Pro409Leu; replaces proline 409 with leucine.
Molecular consequence: missense variant.
Genome position (GRCh38, 1-based): chr1:154,572,049, C>T. VCF-style: chr1-154572049-C-T. GRCh37 (hg19) VCF-style: chr1-154544525-C-T.
Other names: short protein forms P409L.
Identifiers: ClinVar variation 838359 (VCV000838359.9), dbSNP rs1303546196, ClinGen allele CA342631741.

ClinVar aggregate classification (germline): Uncertain significance. Review status: criteria provided, multiple submitters, no conflicts (2 of 4 stars). 2 submissions from 2 submitters: Uncertain significance (2). Last evaluated 2026-01-05.

Conditions:
Familial sleep-related hypermotor epilepsy. Also called: Autosomal Dominant Sleep-Related Hypermotor (Hyperkinetic) Epilepsy. Identifiers: Orphanet 98784, MedGen C3696898, MONDO:0000030.
Inborn genetic diseases. Identifiers: MedGen C0950123, MeSH D030342.

Allele frequency attached by ClinVar (database versions not stated): TOPMed 0.00002; gnomAD exomes 0.00001 and 0.00002; gnomAD 0.00003.
gnomAD v4.1: 17 of 1,534,596 alleles (0.0011%); highest among the groups gnomAD compares: African/African-American, 0.0055%; no homozygotes.

Submissions (2):

Labcorp Genetics (formerly Invitae), Labcorp
Classification: Uncertain significance. Last evaluated: 2026-01-05. Review status: criteria provided, single submitter. Criteria: Invitae Variant Classification Sherloc (09022015). Collection method: clinical testing. Allele origin: germline.
Comment: This sequence change replaces proline, which is neutral and non-polar, with leucine, which is neutral and non-polar, at codon 409 of the CHRNB2 protein (p.Pro409Leu). The frequency data for this variant in the population databases is considered unreliable, as metrics indicate poor data quality at this position in the gnomAD database. This variant has not been reported in the literature in individuals affected with CHRNB2-related conditions. ClinVar contains an entry for this variant (Variation ID: 838359). Invitae Evidence Modeling of protein sequence and biophysical properties (such as structural, functional, and spatial information, amino acid conservation, physicochemical variation, residue mobility, and thermodynamic stability) indicates that this missense variant is not expected to disrupt CHRNB2 protein function with a negative predictive value of 80%. In summary, the available evidence is currently insufficient to determine the role of this variant in disease. Therefore, it has been classified as a Variant of Uncertain Significance.

Ambry Genetics
Classification: Uncertain significance for Inborn genetic diseases. Last evaluated: 2018-08-24. Review status: criteria provided, single submitter. Criteria: Ambry Variant Classification Scheme 2023. Collection method: clinical testing. Allele origin: germline.
Comment: The p.P409L variant (also known as c.1226C>T), located in coding exon 5 of the CHRNB2 gene, results from a C to T substitution at nucleotide position 1226. The proline at codon 409 is replaced by leucine, an amino acid with similar properties. This amino acid position is not well conserved in available vertebrate species. In addition, this alteration is predicted to be tolerated by in silico analysis. Since supporting evidence is limited at this time, the clinical significance of this alteration remains unclear.